The following is an entry in ClinVar:

NM_000092.5(COL4A4):c.605del (p.Gly202fs)

Gene: COL4A4 (collagen type IV alpha 4 chain; minus strand). Cytogenetic location: 2q36.3.
Variant type: Deletion.
Coding change: c.605del on transcript NM_000092.5 (MANE Select); coding-DNA position 605, one base deleted (G; older notation c.605delG).
Protein change: p.Gly202fs; shifts the reading frame from glycine 202.
Molecular consequence: frameshift variant.
Genome position (GRCh38, 1-based): chr2:227,109,276, C deleted on the plus strand (G on the coding strand, the reverse complement: COL4A4 is on the minus strand); the first of 4 consecutive C bases (chr2:227,109,276-227,109,279); deleting any one gives the same sequence. VCF-style (leftmost placement, unchanged base first): chr2-227109275-AC-A. GRCh37 (hg19) VCF-style: chr2-227973991-AC-A.
Other names: short protein forms G202fs.
Identifiers: ClinVar variation 4854702 (VCV004854702.1).

ClinVar aggregate classification (germline): Likely pathogenic (1 of 4 stars; one submission).

Conditions:
Autosomal recessive Alport syndrome (ATS2). Also called: COL4A4 Alport Syndrome and Thin Basement Membrane Nephropathy; ALPORT SYNDROME 2, AUTOSOMAL RECESSIVE; Alport syndrome type 2; COL4A3-Related Nephropathy. Identifiers: Orphanet 63, Orphanet 88919, MedGen C4746745, MONDO:0008762, OMIM 203780.

Submission:

3billion
Classification: Likely pathogenic for Autosomal recessive Alport syndrome. Last evaluated: 2025-11-19. Review status: criteria provided, single submitter. Criteria: ACMG Guidelines, 2015. Collection method: clinical testing. Allele origin: germline. Affected: yes.
Comment: The variant is not observed in the gnomAD v4.1.0 dataset. Predicted Consequence/Location: Frameshift: predicted to result in a loss or disruption of normal protein function through nonsense-mediated decay (NMD) or protein truncation. Multiple pathogenic variants are reported downstream of the variant. Therefore, this variant is classified as Likely pathogenic according to the recommendation of ACMG/AMP guideline.